The following is an entry in ClinVar:

ClinVar aggregate classification (germline): Benign. Review status: criteria provided, multiple submitters, no conflicts (2 of 4 stars). 2 submissions from 2 submitters: Benign (2). Last evaluated 2018-01-13.

Conditions:
Polydactyly of a triphalangeal thumb. Also called: POLYDACTYLY OF TRIPHALANGEAL THUMB; TRIPHALANGEAL THUMB-POLYDACTYLY SYNDROME; Polydactyly, preaxial type II. Identifiers: Orphanet 2439, Orphanet 2950, Orphanet 93336, MedGen C1868114, MONDO:0008270, OMIM 174500.

Allele frequency attached by ClinVar (database versions not stated): TOPMed 0.16769; gnomAD 0.17503 and 0.17895; 1000 Genomes Project 30x 0.18488; 1000 Genomes Project 0.19669.

Submissions (2):

Illumina Laboratory Services, Illumina
Classification: Benign for Polydactyly of a triphalangeal thumb. Last evaluated: 2018-01-13. Review status: criteria provided, single submitter. Criteria: ICSL Variant Classification Criteria 13 December 2019. Collection method: clinical testing. Allele origin: germline.
Comment: This variant was observed in the ICSL laboratory as part of a predisposition screen in an ostensibly healthy population. It had not been previously curated by ICSL or reported in the Human Gene Mutation Database (HGMD: prior to June 1st, 2018), and was therefore a candidate for classification through an automated scoring system. Utilizing variant allele frequency, disease prevalence and penetrance estimates, and inheritance mode, an automated score was calculated to assess if this variant is too frequent to cause the disease. Based on the score and internal cut-off values, a variant classified as benign is not then subjected to further curation. The score for this variant resulted in a classification of benign for this disease.

Breakthrough Genomics
Classification: Benign. Review status: criteria provided, single submitter. Criteria: ACMG Guidelines, 2015. Collection method: not provided. Allele origin: germline. Inheritance: Autosomal recessive inheritance. Affected: yes.

NM_022458.4(LMBR1):c.*1325C>T

Gene: LMBR1 (limb development membrane protein 1; minus strand). Cytogenetic location: 7q36.3.
Variant type: single nucleotide variant.
Coding change: c.*1325C>T on transcript NM_022458.4 (MANE Select); 1325 bases downstream of the stop codon, C replaced by T.
Molecular consequence: 3 prime UTR variant. On other transcripts: non-coding transcript variant (2).
Genome position (GRCh38, 1-based): chr7:156,682,753, G>A on the plus strand (C>T on the coding strand, the complement: LMBR1 is on the minus strand). VCF-style: chr7-156682753-G-A. GRCh37 (hg19) VCF-style: chr7-156475447-G-A.
Other names: c.*1325C>T (NM_001350953.2, NM_001350954.2, NM_001350955.2 and 8 more transcripts).
Identifiers: ClinVar variation 359404 (VCV000359404.6), dbSNP rs1053214, ClinGen allele CA10628540.